The following is an entry in ClinVar:

NM_020937.4(FANCM):c.3306A>G (p.Ile1102Met)

Gene: FANCM (FA complementation group M; plus strand). Cytogenetic location: 14q21.2.
Variant type: single nucleotide variant.
Coding change: c.3306A>G on transcript NM_020937.4 (MANE Select); coding-DNA position 3306, A replaced by G.
Protein change: p.Ile1102Met; replaces isoleucine 1102 with methionine.
Molecular consequence: missense variant.
Genome position (GRCh38, 1-based): chr14:45,176,060, A>G. VCF-style: chr14-45176060-A-G. GRCh37 (hg19) VCF-style: chr14-45645263-A-G.
Other names: c.3228A>G, p.Ile1076Met (NM_001308133.2); short protein forms I1102M, I1076M.
Identifiers: ClinVar variation 3848532 (VCV003848532.1).
Genomic context (GRCh38, chr14:45,176,060, plus strand): 5'-CTGTGATGTACATAAACATAATCAAAATGAAAATTTAGTACCTAACAATCGTGTTCAAAT[A>G]CACAGAAGCCCTGCACAGAATTTAGTTGGAGAGAACAATCATGATGTTGATAACAGTGAC-3'
Protein context (NP_065988.1, residues 1092-1112): ENLVPNNRVQ[Ile1102Met]HRSPAQNLVG

ClinVar aggregate classification (germline): Uncertain significance (1 of 4 stars; one submission).

Conditions:
Inborn genetic diseases. Identifiers: MedGen C0950123, MeSH D030342.

Submission:

Ambry Genetics
Classification: Uncertain significance for Inborn genetic diseases. Last evaluated: 2024-12-22. Review status: criteria provided, single submitter. Criteria: Ambry Variant Classification Scheme 2023. Collection method: clinical testing. Allele origin: germline.
Comment: The p.I1102M variant (also known as c.3306A>G), located in coding exon 14 of the FANCM gene, results from an A to G substitution at nucleotide position 3306. The isoleucine at codon 1102 is replaced by methionine, an amino acid with highly similar properties. This amino acid position is conserved. In addition, this alteration is predicted to be tolerated by in silico analysis. Based on the available evidence, the clinical significance of this variant remains unclear.